The following is an entry in ClinVar:

ClinVar aggregate classification (germline): Conflicting classifications of pathogenicity. Review status: criteria provided, conflicting classifications (1 of 4 stars). 4 submissions from 4 submitters: Likely pathogenic (1); Uncertain significance (3). Last evaluated 2025-07-08.

Conditions:
Malignant hyperthermia, susceptibility to, 1 (MHS1). Also called: Anesthesia related hyperthermia; Malignant hyperpyrexia; Fulminating hyperpyrexia; Pharmacogenic myopathy; Malignant hyperthermia suceptibility 1; RYR1-Related Malignant Hyperthermia Susceptibility. Identifiers: Orphanet 423, MedGen C2930980, MONDO:0007783, OMIM 145600.
RYR1-related disorder. Also called: RYR1-related disorders; RYR1-related condition. Identifiers: MedGen CN239331.

Allele frequency attached by ClinVar (database versions not stated): gnomAD exomes below 0.00001; TOPMed below 0.00001.
gnomAD v4.1: 5 of 1,614,184 alleles (0.00031%); highest among the groups gnomAD compares: East Asian, 0.0045%; no homozygotes.

Submissions (4):

GeneDx
Classification: Likely pathogenic. Last evaluated: 2025-07-08. Review status: criteria provided, single submitter. Criteria: GeneDx Variant Classification Process June 2021. Collection method: clinical testing. Allele origin: germline. Affected: yes.
Comment: Not observed at significant frequency in large population cohorts (gnomAD); In silico analysis supports that this missense variant has a deleterious effect on protein structure/function; Has not been previously published as pathogenic or benign to our knowledge; This variant is associated with the following publications: (PMID: 12668474, 32187740)

Color Diagnostics, LLC DBA Color Health
Classification: Uncertain significance for Malignant hyperthermia, susceptibility to, 1. Last evaluated: 2025-06-23. Review status: criteria provided, single submitter. Criteria: ACMG Guidelines, 2015. Collection method: clinical testing. Allele origin: germline.
Comment: This missense variant replaces alanine with valine at codon 3072 of the RYR1 protein. Computational prediction suggests that this variant may not impact protein structure and function. To our knowledge, functional studies have not been reported for this variant. This variant has not been reported in individuals affected with RYR1-related disorders in the literature. This variant has not been identified in the general population by the Genome Aggregation Database (gnomAD). The available evidence is insufficient to determine the role of this variant in disease conclusively. Therefore, this variant is classified as a Variant of Uncertain Significance.

Labcorp Genetics (formerly Invitae), Labcorp
Classification: Uncertain significance for RYR1-related disorder. Last evaluated: 2024-09-27. Review status: criteria provided, single submitter. Criteria: Invitae Variant Classification Sherloc (09022015). Collection method: clinical testing. Allele origin: germline.
Comment: This sequence change replaces alanine, which is neutral and non-polar, with valine, which is neutral and non-polar, at codon 3072 of the RYR1 protein (p.Ala3072Val). This variant is not present in population databases (gnomAD no frequency). This variant has not been reported in the literature in individuals affected with RYR1-related conditions. ClinVar contains an entry for this variant (Variation ID: 2435550). Invitae Evidence Modeling of protein sequence and biophysical properties (such as structural, functional, and spatial information, amino acid conservation, physicochemical variation, residue mobility, and thermodynamic stability) indicates that this missense variant is not expected to disrupt RYR1 protein function with a negative predictive value of 95%. In summary, the available evidence is currently insufficient to determine the role of this variant in disease. Therefore, it has been classified as a Variant of Uncertain Significance.

Revvity Omics, Revvity
Classification: Uncertain significance. Last evaluated: 2019-05-23. Review status: criteria provided, single submitter. Criteria: ACMG Guidelines, 2015. Collection method: clinical testing. Allele origin: germline.

NM_000540.3(RYR1):c.9215C>T (p.Ala3072Val)

Gene: RYR1 (ryanodine receptor 1; plus strand). Cytogenetic location: 19q13.2.
Variant type: single nucleotide variant.
Coding change: c.9215C>T on transcript NM_000540.3 (MANE Select); coding-DNA position 9215, C replaced by T.
Protein change: p.Ala3072Val; replaces alanine 3072 with valine.
Molecular consequence: missense variant.
Genome position (GRCh38, 1-based): chr19:38,512,114, C>T. VCF-style: chr19-38512114-C-T. GRCh37 (hg19) VCF-style: chr19-39002754-C-T.
Other names: c.9215C>T, p.Ala3072Val (NM_001042723.2); short protein forms A3072V.
Identifiers: ClinVar variation 2435550 (VCV002435550.7), dbSNP rs1970754416, ClinGen allele CA405685694.
Genomic context (GRCh38, chr19:38,512,114, plus strand): 5'-CCCATCTTCCTCTCCCAGGGACAGACGCCCCAGCTGTGGTCAACTGTCTTCACATCCTGG[C>T]CCGCTCCCTGGATGCCAGGTAGGGCCATAGGCAGTGGCGCCCACTCCCACCATCATCGGG-3'
Protein context (NP_000531.2, residues 3062-3082): PAVVNCLHIL[Ala3072Val]RSLDARTVMK